The following is an entry in ClinVar:

ClinVar aggregate classification (germline): Likely benign (1 of 4 stars; one submission).

Allele frequency attached by ClinVar (database versions not stated): gnomAD exomes 0.00005; gnomAD 0.00007; ExAC 0.00008; TOPMed 0.00011.
gnomAD v4.1: 64 of 1,208,040 alleles (0.0053%); highest among the groups gnomAD compares: East Asian, 0.18%; no homozygotes.

Submission:

CeGaT Center for Human Genetics Tuebingen
Classification: Likely benign. Last evaluated: 2023-02-01. Review status: criteria provided, single submitter. Criteria: CeGaT Center For Human Genetics Tuebingen Variant Classification Criteria Version 2. Collection method: clinical testing. Allele origin: germline. Affected: yes. Observed: 1 variant allele.
Comment: GAGE10: BP4, BP7, BS2

NM_001098413.4(GAGE10):c.36A>G (p.Arg12=)

Gene: GAGE10 (G antigen 10; plus strand). Cytogenetic location: Xp11.23.
Variant type: single nucleotide variant.
Coding change: c.36A>G on transcript NM_001098413.4 (MANE Select); coding-DNA position 36, A replaced by G.
Protein change: p.Arg12=; no amino-acid change (arginine 12 retained).
Molecular consequence: synonymous variant.
Genome position (GRCh38, 1-based): chrX:49,304,895, A>G. VCF-style: chrX-49304895-A-G. GRCh37 (hg19) VCF-style: chrX-49161374-A-G.
Identifiers: ClinVar variation 2660535 (VCV002660535.24), dbSNP rs782282321, ClinGen allele CA10412303.